The following is an entry in ClinVar:

ClinVar aggregate classification (germline): Uncertain significance (1 of 4 stars; one submission).

Conditions:
Brugada syndrome 8 (BRGDA8). Identifiers: Orphanet 130, MedGen C2751083, MONDO:0013148, OMIM 613123.

gnomAD v4.1: 1 of 1,417,758 alleles (0.000071%); highest among the groups gnomAD compares: South Asian, 0.0015%; no homozygotes.

Submission:

Labcorp Genetics (formerly Invitae), Labcorp
Classification: Uncertain significance for Brugada syndrome 8. Last evaluated: 2024-05-22. Review status: criteria provided, single submitter. Criteria: Invitae Variant Classification Sherloc (09022015). Collection method: clinical testing. Allele origin: germline.
Comment: This sequence change replaces serine, which is neutral and polar, with threonine, which is neutral and polar, at codon 1051 of the HCN4 protein (p.Ser1051Thr). This variant is not present in population databases (gnomAD no frequency). This variant has not been reported in the literature in individuals affected with HCN4-related conditions. Advanced modeling of protein sequence and biophysical properties (such as structural, functional, and spatial information, amino acid conservation, physicochemical variation, residue mobility, and thermodynamic stability) performed at Invitae indicates that this missense variant is not expected to disrupt HCN4 protein function with a negative predictive value of 95%. In summary, the available evidence is currently insufficient to determine the role of this variant in disease. Therefore, it has been classified as a Variant of Uncertain Significance.

NM_005477.3(HCN4):c.3151T>A (p.Ser1051Thr)

Gene: HCN4 (hyperpolarization activated cyclic nucleotide gated potassium channel 4; minus strand). Cytogenetic location: 15q24.1.
Variant type: single nucleotide variant.
Coding change: c.3151T>A on transcript NM_005477.3 (MANE Select); coding-DNA position 3151, T replaced by A.
Protein change: p.Ser1051Thr; replaces serine 1051 with threonine.
Molecular consequence: missense variant.
Genome position (GRCh38, 1-based): chr15:73,322,942, A>T on the plus strand (T>A on the coding strand, the complement: HCN4 is on the minus strand). VCF-style: chr15-73322942-A-T. GRCh37 (hg19) VCF-style: chr15-73615283-A-T.
Other names: short protein forms S1051T.
Identifiers: ClinVar variation 3668532 (VCV003668532.2).